The following is an entry in ClinVar:

NM_001377.3(DYNC2H1):c.988C>T (p.Arg330Cys)

Gene: DYNC2H1 (dynein cytoplasmic 2 heavy chain 1; plus strand). Cytogenetic location: 11q22.3.
Variant type: single nucleotide variant.
Coding change: c.988C>T on transcript NM_001377.3 (MANE Select); coding-DNA position 988, C replaced by T.
Protein change: p.Arg330Cys; replaces arginine 330 with cysteine.
Molecular consequence: missense variant.
Genome position (GRCh38, 1-based): chr11:103,117,852, C>T. VCF-style: chr11-103117852-C-T. GRCh37 (hg19) VCF-style: chr11-102988581-C-T.
Other names: c.988C>T, p.Arg330Cys (NM_001080463.2); short protein forms R330C.
Identifiers: ClinVar variation 40070 (VCV000040070.23), dbSNP rs397514637, ClinGen allele CA210579.
Genomic context (GRCh38, chr11:103,117,852, plus strand): 5'-GTTCCTCATCCATGGAAAAATGAAAAATATTTTCCAGAAACACTTGACAAACTTGGCAAA[C>T]GCCTTGAAGAGGTATCAATTTGATTATCTAGATCTTTGTCTTTAAATGTAAAGTGTATCT-3'
Protein context (NP_001368.2, residues 320-340): FPETLDKLGK[Arg330Cys]LEEVLAIRTI

ClinVar aggregate classification (germline): Pathogenic/Likely pathogenic. Review status: criteria provided, multiple submitters, no conflicts (2 of 4 stars). 10 submissions from 8 submitters: Pathogenic (2); Likely pathogenic (3). 5 of the submissions do not count toward it. Last evaluated 2026-02-01.

Conditions:
Jeune thoracic dystrophy. Also called: Jeune syndrome; Short-rib thoracic dysplasia; Infantile thoracic dystrophy; Thoracic pelvic phalangeal dystrophy; Jeune's syndrome; Chondroectodermal dysplasia-like syndrome. Identifiers: Orphanet 474, MedGen C0265275, MONDO:0018770.
Asphyxiating thoracic dystrophy 3. Also called: SHORT-RIB THORACIC DYSPLASIA 3 WITH OR WITHOUT POLYDACTYLY; POLYDACTYLY WITH NEONATAL CHONDRODYSTROPHY, TYPE I; SHORT-RIB THORACIC DYSPLASIA 3/6 WITH POLYDACTYLY, DIGENIC; Short rib polydactyly syndrome 2B; Saldino-Noonan Syndrome. Identifiers: Orphanet 474, Orphanet 93269, Orphanet 93270, Orphanet 93271, MedGen C0036069, MONDO:0013127, OMIM 613091.

Allele frequency attached by ClinVar (database versions not stated): gnomAD 0.00002 and 0.00001; gnomAD exomes 0.00003; 1000 Genomes Project 30x 0.00016; ExAC 0.00004; TOPMed 0.00002; 1000 Genomes Project 0.00040.
gnomAD v4.1: 29 of 1,610,370 alleles (0.0018%); highest among the groups gnomAD compares: Admixed American, 0.0084%; no homozygotes.

Submissions (10):

Otogenetics
Classification: Likely pathogenic for Asphyxiating thoracic dystrophy 3. Last evaluated: 2026-02-01. Review status: criteria provided, single submitter. Criteria: ACMG Guidelines, 2015. Collection method: clinical testing. Allele origin: germline.

Fulgent Genetics
Classification: Pathogenic for Asphyxiating thoracic dystrophy 3. Last evaluated: 2024-05-24. Review status: criteria provided, single submitter. Criteria: ACMG Guidelines, 2015. Collection method: clinical testing. Allele origin: germline.

Labcorp Genetics (formerly Invitae), Labcorp
Classification: Pathogenic for Jeune thoracic dystrophy. Last evaluated: 2024-03-12. Review status: criteria provided, single submitter. Criteria: Invitae Variant Classification Sherloc (09022015). Collection method: clinical testing. Allele origin: germline.
Comment: This sequence change replaces arginine, which is basic and polar, with cysteine, which is neutral and slightly polar, at codon 330 of the DYNC2H1 protein (p.Arg330Cys). This variant is present in population databases (rs397514637, gnomAD 0.01%). This missense change has been observed in individual(s) with short-rib polydactyly syndrome, type II (SRPSII), SRPS type III, and ATD and asphyxiating thoracic dystrophy (ATD) (PMID: 22499340, 23456818, 29068549). In at least one individual the data is consistent with being in trans (on the opposite chromosome) from a pathogenic variant. It has also been observed to segregate with disease in related individuals. ClinVar contains an entry for this variant (Variation ID: 40070). Advanced modeling of protein sequence and biophysical properties (such as structural, functional, and spatial information, amino acid conservation, physicochemical variation, residue mobility, and thermodynamic stability) performed at Invitae indicates that this missense variant is expected to disrupt DYNC2H1 protein function with a positive predictive value of 95%. For these reasons, this variant has been classified as Pathogenic.

ARUP Laboratories, Molecular Genetics and Genomics, ARUP Laboratories
Classification: Likely pathogenic for Asphyxiating thoracic dystrophy 3. Last evaluated: 2021-09-13. Review status: criteria provided, single submitter. Criteria: ARUP Molecular Germline Variant Investigation Process 2021. Collection method: clinical testing. Allele origin: germline.
Comment: The DYNC2H1 c.988C>T; p.Arg330Cys variant (rs397514637) is reported in the homozygous or compound heterozygous state in individuals with short-rib polydactyly and Jeune asphyxiating thoracic dystrophy (El Hokayem 2012, Schmidts 2013, Zhang 2018). The variant is reported as pathogenic or likely pathogenic by several sources in the ClinVar database (Variation ID: 40070) and is listed in the general population with an overall allele frequency of 0.003% (8/246,812 alleles) in the Genome Aggregation Database. The arginine at codon 330 is highly conserved and occurs in the N-terminal tail domain, but computational analyses are uncertain whether this variant is neutral or deleterious (REVEL: 0.641). Based on available information, this variant is considered to be likely pathogenic. References: El Hokayem J et al. NEK1 and DYNC2H1 are both involved in short rib polydactyly Majewski type but not in Beemer Langer cases. J Med Genet. 2012 Apr;49(4):227-33. PMID: 22499340. Schmidts M et al. Exome sequencing identifies DYNC2H1 mutations as a common cause of asphyxiating thoracic dystrophy (Jeune syndrome) without major polydactyly, renal or retinal involvement. J Med Genet. 2013 May;50(5):309-23. PMID: 23456818. Zhang W et al. Expanding the genetic architecture and phenotypic spectrum in the skeletal ciliopathies. Hum Mutat. 2018 Jan;39(1):152-166. PMID: 29068549.

Juno Genomics, Hangzhou Juno Genomics, Inc
Classification: Likely pathogenic for Asphyxiating thoracic dystrophy 3. Review status: criteria provided, single submitter. Criteria: ACMG Guidelines, 2015. Collection method: clinical testing. Allele origin: germline.
Comment: Absent from controls (or at extremely low frequency if recessive) in Genome Aggregation Database.;For recessive disorders, detected in trans with a pathogenic variant.;Patient's phenotype or family history is highly specific for a disease with a single genetic etiology.

Dan Cohn Lab, University Of California Los Angeles
Classification: Pathogenic for Asphyxiating thoracic dystrophy. Last evaluated: 2017-06-01. Review status: no assertion criteria provided. Collection method: research. Allele origin: unknown. Affected: yes. Not counted in ClinVar's aggregate classification.

Dan Cohn Lab, University Of California Los Angeles
Classification: Pathogenic for Asphyxiating thoracic dystrophy 3. Last evaluated: 2017-06-01. Review status: no assertion criteria provided. Collection method: research. Allele origin: maternal, unknown. Affected: yes. Not counted in ClinVar's aggregate classification.

OMIM
Classification: Pathogenic for SHORT-RIB THORACIC DYSPLASIA 3 WITH POLYDACTYLY. Last evaluated: 2012-04-01. Review status: no assertion criteria provided. Collection method: literature only. Allele origin: germline. Not counted in ClinVar's aggregate classification.

University of Washington Center for Mendelian Genomics, University of Washington
Classification: Likely pathogenic for Asphyxiating thoracic dystrophy 3. Review status: no assertion criteria provided. Collection method: research. Allele origin: inherited. Affected: yes. Not counted in ClinVar's aggregate classification.

University of Washington Center for Mendelian Genomics, University of Washington
Classification: Likely pathogenic for asphyxiating thoracic dystrophy. Review status: no assertion criteria provided. Collection method: research. Allele origin: inherited. Affected: yes. Not counted in ClinVar's aggregate classification.

Literature cited by the submitters: PubMed 22499340 (cited by 3 submitters); PubMed 23456818 (cited by Otogenetics and Labcorp Genetics (formerly Invitae), Labcorp); PubMed 29068549 (cited by 4 submitters); PM2: Maximum gnomAD MAF of 0.013% in African (AFR) subpopulation (<0.1% threshold) (cited by Otogenetics); PM3_Strong: Variant reported in homozygous state in two affected individuals and in trans with two pathogenic variants in two individuals affected with short-rib thoracic dysplasia (PMID: 22499340, 23456818, 29068549) (cited by Otogenetics).